The following is an entry in ClinVar:

ClinVar aggregate classification (germline): Pathogenic (1 of 4 stars; one submission).

Submission:

Labcorp Genetics (formerly Invitae), Labcorp
Classification: Pathogenic. Last evaluated: 2020-08-27. Review status: criteria provided, single submitter. Criteria: Invitae Variant Classification Sherloc (09022015). Collection method: clinical testing. Allele origin: germline.
Comment: For these reasons, this variant has been classified as Pathogenic. Loss-of-function variants in USH2A are known to be pathogenic (PMID: 10729113, 10909849, 20507924, 25649381). This variant has not been reported in the literature in individuals with USH2A-related conditions. This variant is not present in population databases (ExAC no frequency). This sequence change creates a premature translational stop signal (p.Lys3366Glufs*6) in the USH2A gene. It is expected to result in an absent or disrupted protein product.

Literature cited by the submitters: PubMed 10729113; PubMed 10909849; PubMed 20507924; PubMed 25649381.

NM_206933.4(USH2A):c.10096_10097del (p.Lys3366fs)

Gene: USH2A (usherin; minus strand). Cytogenetic location: 1q41.
Variant type: Deletion.
Coding change: c.10096_10097del on transcript NM_206933.4 (MANE Select); coding-DNA positions 10096 to 10097, 2 bases deleted (AA; older notation c.10096_10097delAA).
Protein change: p.Lys3366fs; shifts the reading frame from lysine 3366.
Molecular consequence: frameshift variant.
Genome position (GRCh38, 1-based): chr1:215,790,144-215,790,145, TT deleted on the plus strand (AA on the coding strand, the reverse complement: USH2A is on the minus strand); deleting any 2 consecutive bases within chr1:215,790,144-215,790,146 gives the same sequence; the c. name uses the placement nearest the transcript's 3' end. VCF-style (leftmost placement, unchanged base first): chr1-215790143-CTT-C. GRCh37 (hg19) VCF-style: chr1-215963485-CTT-C.
Other names: short protein forms K3366fs.
Identifiers: ClinVar variation 1071344 (VCV001071344.7), dbSNP rs2102769946, ClinGen allele CA2499214488.
Genomic context (GRCh38, chr1:215,790,143, plus strand): 5'-CTTGTCAGAGCAAACATATTTCAAAGGATTATATCCAACTCCATTACAGCATTTCTGGCT[CTT>C]TGGAATAAGTTCAGTCTCACAGCATTTTACTGGCACCGGGTCATTCTTTTTAATATGTGC-3'